The following is an entry in ClinVar:

NM_015102.5(NPHP4):c.2830G>A (p.Val944Ile)

Gene: NPHP4 (nephrocystin 4; minus strand). Cytogenetic location: 1p36.31.
Variant type: single nucleotide variant.
Coding change: c.2830G>A on transcript NM_015102.5 (MANE Select); coding-DNA position 2830, G replaced by A.
Protein change: p.Val944Ile; replaces valine 944 with isoleucine.
Molecular consequence: missense variant. On other transcripts: non-coding transcript variant (1).
Genome position (GRCh38, 1-based): chr1:5,875,088, C>T on the plus strand (G>A on the coding strand, the complement: NPHP4 is on the minus strand). VCF-style: chr1-5875088-C-T. GRCh37 (hg19) VCF-style: chr1-5935148-C-T.
Other names: c.1291G>A, p.Val431Ile (NM_001291593.2); c.1294G>A, p.Val432Ile (NM_001291594.2); c.2830G>A (NM_015102.3); short protein forms V944I, V432I, V431I.
Identifiers: ClinVar variation 502514 (VCV000502514.14), dbSNP rs188262700, ClinGen allele CA553907.

ClinVar aggregate classification (germline): Uncertain significance. Review status: criteria provided, multiple submitters, no conflicts (2 of 4 stars). 4 submissions from 4 submitters: Uncertain significance (4). Last evaluated 2026-06-24.

Conditions:
NPHP4-related disorder. Also called: NPHP4-related condition; NPHP4-related disorders. Identifiers: MedGen CN239384.
Nephronophthisis. Also called: Juvenile Nephronophthisis. Identifiers: Orphanet 655, MedGen C0687120, MONDO:0019005, HP:0000090.
Inborn genetic diseases. Identifiers: MedGen C0950123, MeSH D030342.

Allele frequency attached by ClinVar (database versions not stated): 1000 Genomes Project 0.00020; gnomAD exomes 0.00009 and 0.00010; TOPMed 0.00009; gnomAD 0.00010; ESP Exome Variant Server 0.00008; ExAC 0.00009; 1000 Genomes Project 30x 0.00016.
gnomAD v4.1: 158 of 1,602,178 alleles (0.0099%); highest among the groups gnomAD compares: East Asian, 0.027%; no homozygotes.

Submissions (4):

PreventionGenetics, part of Exact Sciences
Classification: Uncertain significance for NPHP4-related condition. Last evaluated: 2026-06-24. Review status: criteria provided, single submitter. Criteria: ACMG Guidelines, 2015. Collection method: clinical testing. Allele origin: germline.
Comment: The NPHP4 c.2830G>A variant is predicted to result in the amino acid substitution p.Val944Ile. To our knowledge, this variant has not been reported in the literature. This variant is reported in 0.017% of alleles in individuals of South Asian descent in gnomAD. At this time, the clinical significance of this variant is uncertain due to the absence of conclusive functional and genetic evidence.

Labcorp Genetics (formerly Invitae), Labcorp
Classification: Uncertain significance for Nephronophthisis. Last evaluated: 2024-12-09. Review status: criteria provided, single submitter. Criteria: Invitae Variant Classification Sherloc (09022015). Collection method: clinical testing. Allele origin: germline.
Comment: This sequence change replaces valine, which is neutral and non-polar, with isoleucine, which is neutral and non-polar, at codon 944 of the NPHP4 protein (p.Val944Ile). This variant is present in population databases (rs188262700, gnomAD 0.02%). This variant has not been reported in the literature in individuals affected with NPHP4-related conditions. ClinVar contains an entry for this variant (Variation ID: 502514). Invitae Evidence Modeling of protein sequence and biophysical properties (such as structural, functional, and spatial information, amino acid conservation, physicochemical variation, residue mobility, and thermodynamic stability) indicates that this missense variant is not expected to disrupt NPHP4 protein function with a negative predictive value of 80%. In summary, the available evidence is currently insufficient to determine the role of this variant in disease. Therefore, it has been classified as a Variant of Uncertain Significance.

Ambry Genetics
Classification: Uncertain significance for Inborn genetic diseases. Last evaluated: 2024-11-11. Review status: criteria provided, single submitter. Criteria: Ambry Variant Classification Scheme 2023. Collection method: clinical testing. Allele origin: germline.

Eurofins Ntd Llc (ga)
Classification: Uncertain significance. Last evaluated: 2017-12-13. Review status: criteria provided, single submitter. Criteria: EGL Classification Definitions 2015. Collection method: clinical testing. Allele origin: germline. Observed: 2 variant alleles, 2 heterozygotes.